The following is an entry in ClinVar:

ClinVar aggregate classification (germline): Uncertain significance (1 of 4 stars; one submission).

Allele frequency attached by ClinVar (database versions not stated): gnomAD exomes 0.00001; TOPMed 0.00001; gnomAD 0.00002.
gnomAD v4.1: 27 of 1,556,826 alleles (0.0017%); highest among the groups gnomAD compares: Non-Finnish European, 0.002%; no homozygotes.

Submission:

Labcorp Genetics (formerly Invitae), Labcorp
Classification: Uncertain significance. Last evaluated: 2022-05-29. Review status: criteria provided, single submitter. Criteria: Invitae Variant Classification Sherloc (09022015). Collection method: clinical testing. Allele origin: germline.
Comment: This sequence change replaces glycine, which is neutral and non-polar, with arginine, which is basic and polar, at codon 159 of the SAR1B protein (p.Gly159Arg). The frequency data for this variant in the population databases is considered unreliable, as metrics indicate poor data quality at this position in the gnomAD database. This variant has not been reported in the literature in individuals affected with SAR1B-related conditions. Algorithms developed to predict the effect of missense changes on protein structure and function (SIFT, PolyPhen-2, Align-GVGD) all suggest that this variant is likely to be disruptive. In summary, the available evidence is currently insufficient to determine the role of this variant in disease. Therefore, it has been classified as a Variant of Uncertain Significance.

NM_016103.4(SAR1B):c.475G>C (p.Gly159Arg)

Gene: SAR1B (secretion associated Ras related GTPase 1B; minus strand). Cytogenetic location: 5q31.1.
Variant type: single nucleotide variant.
Coding change: c.475G>C on transcript NM_016103.4 (MANE Select); coding-DNA position 475, G replaced by C.
Protein change: p.Gly159Arg; replaces glycine 159 with arginine.
Molecular consequence: missense variant.
Genome position (GRCh38, 1-based): chr5:134,608,377, C>G on the plus strand (G>C on the coding strand, the complement: SAR1B is on the minus strand). VCF-style: chr5-134608377-C-G. GRCh37 (hg19) VCF-style: chr5-133944067-C-G.
Other names: c.475G>C, p.Gly159Arg (NM_001033503.3); short protein forms G159R.
Identifiers: ClinVar variation 1930084 (VCV001930084.5), dbSNP rs1189893716, ClinGen allele CA360999907.